The following is an entry in ClinVar:

NM_003664.5(AP3B1):c.193C>T (p.Arg65Trp)

Gene: AP3B1 (adaptor related protein complex 3 subunit beta 1; minus strand). Cytogenetic location: 5q14.1.
Variant type: single nucleotide variant.
Coding change: c.193C>T on transcript NM_003664.5 (MANE Select); coding-DNA position 193, C replaced by T.
Protein change: p.Arg65Trp; replaces arginine 65 with tryptophan.
Molecular consequence: missense variant.
Genome position (GRCh38, 1-based): chr5:78,267,531, G>A on the plus strand (C>T on the coding strand, the complement: AP3B1 is on the minus strand). VCF-style: chr5-78267531-G-A. GRCh37 (hg19) VCF-style: chr5-77563355-G-A.
Other names: c.46C>T, p.Arg16Trp (NM_001271769.2); short protein forms R16W, R65W.
Identifiers: ClinVar variation 1305952 (VCV001305952.5), dbSNP rs758616866, ClinGen allele CA3317442.
Genomic context (GRCh38, chr5:78,267,531, plus strand): 5'-ACTGCTTGTCCATTTTTCCAAAATTGAAGTAAATGAGTATTTTACCTACCCCAACAATCC[G>A]CTTCATAGCATCCAGTTTAGCAGAATCTTTGTTGCTCTCTAACATTTGCTTTAGATCTTC-3'
Protein context (NP_003655.3, residues 55-75): KDSAKLDAMK[Arg65Trp]IVGMIAKGKN

ClinVar aggregate classification (germline): Uncertain significance. Review status: criteria provided, multiple submitters, no conflicts (2 of 4 stars). 3 submissions from 3 submitters: Uncertain significance (3). Last evaluated 2022-10-07.

Conditions:
Hermansky-Pudlak syndrome 2 (HPS2). Also called: Platelet defects and oculocutaneous albinism. Identifiers: Orphanet 183678, Orphanet 79430, MedGen C1842362, MONDO:0011997, OMIM 608233.

Allele frequency attached by ClinVar (database versions not stated): TOPMed 0.00001; ExAC 0.00002; gnomAD exomes 0.00002 and 0.00003; gnomAD 0.00003.
gnomAD v4.1: 46 of 1,609,390 alleles (0.0029%); highest among the groups gnomAD compares: Middle Eastern, 0.033%; 1 homozygote.

Submissions (3):

Blueprint Genetics
Classification: Uncertain significance. Last evaluated: 2022-10-07. Review status: criteria provided, single submitter. Criteria: ACMG Guidelines, 2015. Collection method: clinical testing. Allele origin: germline.

Labcorp Genetics (formerly Invitae), Labcorp
Classification: Uncertain significance for Hermansky-Pudlak syndrome 2. Last evaluated: 2022-08-16. Review status: criteria provided, single submitter. Criteria: Invitae Variant Classification Sherloc (09022015). Collection method: clinical testing. Allele origin: germline.
Comment: This sequence change replaces arginine, which is basic and polar, with tryptophan, which is neutral and slightly polar, at codon 65 of the AP3B1 protein (p.Arg65Trp). This variant is present in population databases (rs758616866, gnomAD 0.003%). This variant has not been reported in the literature in individuals affected with AP3B1-related conditions. ClinVar contains an entry for this variant (Variation ID: 1305952). Algorithms developed to predict the effect of missense changes on protein structure and function are either unavailable or do not agree on the potential impact of this missense change (SIFT: "Deleterious"; PolyPhen-2: "Possibly Damaging"; Align-GVGD: "Class C0"). In summary, the available evidence is currently insufficient to determine the role of this variant in disease. Therefore, it has been classified as a Variant of Uncertain Significance.

GeneDx
Classification: Uncertain significance. Last evaluated: 2019-06-17. Review status: criteria provided, single submitter. Criteria: GeneDx Variant Classification Process June 2021. Collection method: clinical testing. Allele origin: germline. Affected: yes.
Comment: In silico analysis, which includes protein predictors and evolutionary conservation, supports a deleterious effect; Has not been previously published as pathogenic or benign to our knowledge